The following is an entry in ClinVar:

NM_025074.7(FRAS1):c.11938A>T (p.Ser3980Cys)

Gene: FRAS1 (Fraser extracellular matrix complex subunit 1; plus strand). Cytogenetic location: 4q21.21.
Variant type: single nucleotide variant.
Coding change: c.11938A>T on transcript NM_025074.7 (MANE Select); coding-DNA position 11938, A replaced by T.
Protein change: p.Ser3980Cys; replaces serine 3980 with cysteine.
Molecular consequence: missense variant.
Genome position (GRCh38, 1-based): chr4:78,541,023, A>T. VCF-style: chr4-78541023-A-T. GRCh37 (hg19) VCF-style: chr4-79462177-A-T.
Other names: short protein forms S3980C.
Identifiers: ClinVar variation 5000051 (VCV005000051.1).
Genomic context (GRCh38, chr4:78,541,023, plus strand): 5'-GACCGGGTGGAGAAGAACGTGAATAGACACTACTGCACTGTGCGGAACGTCAACATCCTG[A>T]GTGAGCCTGAGGCGGCTTACACGTTCAAAGGTGCTAAAGTCAAAAGACTGAATCTAGAAG-3'
Protein context (NP_079350.5, residues 3970-3990): YCTVRNVNIL[Ser3980Cys]EPEAAYTFKG

ClinVar aggregate classification (germline): Uncertain significance (1 of 4 stars; one submission).

Conditions:
FRAS1-related disorder. Also called: FRAS1-related condition.

gnomAD v4.1: 2 of 1,529,918 alleles (0.00013%); highest among the groups gnomAD compares: Non-Finnish European, 0.00018%; no homozygotes.

Submission:

PreventionGenetics, part of Exact Sciences
Classification: Uncertain significance for FRAS1-related condition. Last evaluated: 2025-08-08. Review status: criteria provided, single submitter. Criteria: ACMG Guidelines, 2015. Collection method: clinical testing. Allele origin: germline.
Comment: The FRAS1 c.11938A>T variant is predicted to result in the amino acid substitution p.Ser3980Cys. To our knowledge, this variant has not been reported in the literature or in a large population database (gnomAD), indicating this variant is rare. At this time, the clinical significance of this variant is uncertain due to the absence of conclusive functional and genetic evidence.